The following is an entry in ClinVar:

NM_001110199.3(SRRM3):c.1002G>T (p.Pro334=)

Gene: SRRM3 (serine/arginine repetitive matrix 3; plus strand). Cytogenetic location: 7q11.23.
Variant type: single nucleotide variant.
Coding change: c.1002G>T on transcript NM_001110199.3 (MANE Select); coding-DNA position 1002, G replaced by T.
Protein change: p.Pro334=; no amino-acid change (proline 334 retained).
Molecular consequence: synonymous variant.
Genome position (GRCh38, 1-based): chr7:76,267,429, G>T. VCF-style: chr7-76267429-G-T. GRCh37 (hg19) VCF-style: chr7-75896747-G-T.
Other names: c.1002G>T, p.Pro334= (NM_001291831.2).
Identifiers: ClinVar variation 2657621 (VCV002657621.24), dbSNP rs782486761, ClinGen allele CA4306137.
Genomic context (GRCh38, chr7:76,267,429, plus strand): 5'-CGGCGGCAGCGGGCAGCGGAGCGGAGCGCACGGGGGCCGCCCCGGCTCGGCGCACAGCCC[G>T]CCCGATGTACGTACGCTTCGCTTTGCGGAGGGTTCCCGCGCCGCGGGCTGCGCCGTGCGT-3'
Protein context (NP_001103669.1, residues 324-344): HGGRPGSAHS[Pro334=]PDKPSSPSPR

ClinVar aggregate classification (germline): Likely benign (1 of 4 stars; one submission).

Allele frequency attached by ClinVar (database versions not stated): TOPMed 0.00090; gnomAD 0.00093; 1000 Genomes Project 30x 0.00094.
gnomAD v4.1: 2,341 of 1,362,692 alleles (0.17%); highest among the groups gnomAD compares: Non-Finnish European, 0.2%; 2 homozygotes.

Submission:

CeGaT Center for Human Genetics Tuebingen
Classification: Likely benign. Last evaluated: 2022-11-01. Review status: criteria provided, single submitter. Criteria: CeGaT Center For Human Genetics Tuebingen Variant Classification Criteria Version 2. Collection method: clinical testing. Allele origin: germline. Affected: yes. Observed: 1 variant allele.
Comment: SRRM3: BP4, BP7